The following is an entry in ClinVar:

ClinVar aggregate classification (germline): Uncertain significance (1 of 4 stars; one submission).

Conditions:
DLG4-related disorder. Also called: DLG4-related condition.

Allele frequency attached by ClinVar (database versions not stated): TOPMed below 0.00001; gnomAD exomes 0.00001; ExAC 0.00002.
gnomAD v4.1: 3 of 1,613,848 alleles (0.00019%); highest among the groups gnomAD compares: Admixed American, 0.0033%; no homozygotes.

Submission:

PreventionGenetics, part of Exact Sciences
Classification: Uncertain significance for DLG4-related condition. Last evaluated: 2023-10-02. Review status: criteria provided, single submitter. Criteria: ACMG Guidelines, 2015. Collection method: clinical testing. Allele origin: germline.
Comment: The DLG4 c.1067G>A variant is predicted to result in the amino acid substitution p.Arg356Gln. To our knowledge, this variant has not been reported in the literature. This variant is reported in 0.0058% of alleles in individuals of Latino descent in gnomAD. At this time, the clinical significance of this variant is uncertain due to the absence of conclusive functional and genetic evidence.

NM_001321075.3(DLG4):c.938G>A (p.Arg313Gln)

Genes: DLG4 (discs large MAGUK scaffold protein 4; minus strand), LOC126862479 (MED14-independent group 3 enhancer GRCh37_chr17:7099412-7100611; plus strand). Cytogenetic location: 17p13.1.
Variant type: single nucleotide variant.
Coding change: c.938G>A on transcript NM_001321075.3 (MANE Select); coding-DNA position 938, G replaced by A.
Protein change: p.Arg313Gln; replaces arginine 313 with glutamine.
Molecular consequence: missense variant. On other transcripts: non-coding transcript variant (1).
Genome position (GRCh38, 1-based): chr17:7,196,902, C>T on the plus strand (G>A on the coding strand, the complement: DLG4 is on the minus strand). VCF-style: chr17-7196902-C-T. GRCh37 (hg19) VCF-style: chr17-7100221-C-T.
Other names: c.929G>A, p.Arg310Gln (NM_001128827.4); c.1058G>A, p.Arg353Gln (NM_001321074.1); c.758G>A, p.Arg253Gln (NM_001321076.3, NM_001321077.3); c.1067G>A, p.Arg356Gln (NM_001365.5); c.857G>A, p.Arg286Gln (NM_001369566.3); short protein forms R253Q, R286Q, R310Q, R313Q, R353Q, R356Q.
Identifiers: ClinVar variation 2630677 (VCV002630677.1), dbSNP rs764739020, ClinGen allele CA8337073.